The following is an entry in ClinVar:

NM_000156.6(GAMT):c.131G>C (p.Arg44Pro)

Genes: GAMT (guanidinoacetate N-methyltransferase; minus strand), LOC130062945 (ATAC-STARR-seq lymphoblastoid silent region 9707; plus strand). Cytogenetic location: 19p13.3.
Variant type: single nucleotide variant.
Coding change: c.131G>C on transcript NM_000156.6 (MANE Select); coding-DNA position 131, G replaced by C.
Protein change: p.Arg44Pro; replaces arginine 44 with proline.
Molecular consequence: missense variant.
Genome position (GRCh38, 1-based): chr19:1,401,346, C>G on the plus strand (G>C on the coding strand, the complement: GAMT is on the minus strand). VCF-style: chr19-1401346-C-G. GRCh37 (hg19) VCF-style: chr19-1401345-C-G.
Other names: c.131G>C, p.Arg44Pro (NM_138924.3); short protein forms R44P.
Identifiers: ClinVar variation 657963 (VCV000657963.9), dbSNP rs200339910, ClinGen allele CA402998099.
Genomic context (GRCh38, chr19:1,401,346, plus strand): 5'-CGGGGGCTACCTTTGGAGGAGGCGGCGGCGGCCAGCGCGTGCATATAGGGGGTCTCCCAG[C>G]GCTCCATCACCGGCTTGCCCAGGATGCGCAGGTGCGTGTCCGCTGCGTCGTAGGCCGCGG-3'
Protein context (NP_000147.1, residues 34-54): LRILGKPVME[Arg44Pro]WETPYMHALA

ClinVar aggregate classification (germline): Uncertain significance (1 of 4 stars; one submission).

Conditions:
Cerebral creatine deficiency syndrome. Also called: Creatine deficiency syndromes. Identifiers: Orphanet 79172, MedGen C5244016, MONDO:0000456.

gnomAD v4.1: 1 of 1,536,906 alleles (0.000065%); highest among the groups gnomAD compares: Non-Finnish European, 0.000087%; no homozygotes.

Submission:

Labcorp Genetics (formerly Invitae), Labcorp
Classification: Uncertain significance for Cerebral creatine deficiency syndrome. Last evaluated: 2018-10-08. Review status: criteria provided, single submitter. Criteria: Invitae Variant Classification Sherloc (09022015). Collection method: clinical testing. Allele origin: germline.
Comment: This variant is not present in population databases (ExAC no frequency). This sequence change replaces arginine with proline at codon 44 of the GAMT protein (p.Arg44Pro). The arginine residue is highly conserved and there is a moderate physicochemical difference between arginine and proline. This variant has not been reported in the literature in individuals with GAMT-related disease. Algorithms developed to predict the effect of missense changes on protein structure and function are either unavailable or do not agree on the potential impact of this missense change (SIFT: "Deleterious"; PolyPhen-2: "Probably Damaging"; Align-GVGD: "Class C0"). In summary, the available evidence is currently insufficient to determine the role of this variant in disease. Therefore, it has been classified as a Variant of Uncertain Significance.